The following is an entry in ClinVar:

NM_000459.5(TEK):c.3110C>T (p.Thr1037Ile)

Gene: TEK (TEK receptor tyrosine kinase; plus strand). Cytogenetic location: 9p21.2.
Variant type: single nucleotide variant.
Coding change: c.3110C>T on transcript NM_000459.5 (MANE Select); coding-DNA position 3110, C replaced by T.
Protein change: p.Thr1037Ile; replaces threonine 1037 with isoleucine.
Molecular consequence: missense variant.
Genome position (GRCh38, 1-based): chr9:27,220,055, C>T. VCF-style: chr9-27220055-C-T. GRCh37 (hg19) VCF-style: chr9-27220053-C-T.
Other names: c.2981C>T, p.Thr994Ile (NM_001290077.2); c.2666C>T, p.Thr889Ile (NM_001290078.2); c.3107C>T, p.Thr1036Ile (NM_001375475.1); c.2978C>T, p.Thr993Ile (NM_001375476.1); short protein forms T1036I, T1037I, T889I, T993I, T994I.
Identifiers: ClinVar variation 1302998 (VCV001302998.3), dbSNP rs2131246743, ClinGen allele CA373127655.
Genomic context (GRCh38, chr9:27,220,055, plus strand): 5'-AAGCATTGCTTTTCATGCCAGAGAGGACTTAGAGTGGCACTGTTTGTCTTCCAGGAGGCA[C>T]ACCCTACTGCGGGATGACTTGTGCAGAACTCTACGAGAAGCTGCCCCAGGGCTACAGACT-3'
Protein context (NP_000450.3, residues 1027-1047): LLWEIVSLGG[Thr1037Ile]PYCGMTCAEL

ClinVar aggregate classification (germline): Conflicting classifications of pathogenicity. Review status: criteria provided, conflicting classifications (1 of 4 stars). 2 submissions from 2 submitters: Likely pathogenic (1); Uncertain significance (1). Last evaluated 2023-07-13.

Conditions:
TEK-related disorder. Also called: TEK-related condition.

Submissions (2):

Blueprint Genetics
Classification: Likely pathogenic for TEK-related disorders. Last evaluated: 2023-07-13. Review status: criteria provided, single submitter. Criteria: ACMG Guidelines, 2015. Collection method: clinical testing. Allele origin: germline. Affected: yes. Observed: 1 variant allele.

GeneDx
Classification: Uncertain significance. Last evaluated: 2020-01-17. Review status: criteria provided, single submitter. Criteria: GeneDx Variant Classification Process June 2021. Collection method: clinical testing. Allele origin: germline. Affected: yes.
Comment: Not observed in large population cohorts (Lek et al., 2016); In silico analysis, which includes protein predictors and evolutionary conservation, supports a deleterious effect; Has not been previously published as pathogenic or benign to our knowledge